The following is an entry in ClinVar:

ClinVar aggregate classification (germline): Uncertain significance (1 of 4 stars; one submission).

gnomAD v4.1: 3 of 1,612,194 alleles (0.00019%); highest among the groups gnomAD compares: Non-Finnish European, 0.00025%; no homozygotes.

Submission:

GeneDx
Classification: Uncertain significance. Last evaluated: 2021-04-21. Review status: criteria provided, single submitter. Criteria: GeneDx Variant Classification Process June 2021. Collection method: clinical testing. Allele origin: germline. Affected: yes.
Comment: Not observed in large population cohorts (Lek et al., 2016); In silico analysis supports that this missense variant has a deleterious effect on protein structure/function; Has not been previously published as pathogenic or benign to our knowledge

NM_020822.3(KCNT1):c.1183G>A (p.Ala395Thr)

Gene: KCNT1 (potassium sodium-activated channel subfamily T member 1; plus strand). Cytogenetic location: 9q34.3.
Variant type: single nucleotide variant.
Coding change: c.1183G>A on transcript NM_020822.3 (MANE Select); coding-DNA position 1183, G replaced by A.
Protein change: p.Ala395Thr; replaces alanine 395 with threonine.
Molecular consequence: missense variant.
Genome position (GRCh38, 1-based): chr9:135,765,178, G>A. VCF-style: chr9-135765178-G-A. GRCh37 (hg19) VCF-style: chr9-138657024-G-A.
Other names: c.1048G>A, p.Ala350Thr (NM_001272003.2); short protein forms A350T, A395T.
Identifiers: ClinVar variation 1302406 (VCV001302406.2), dbSNP rs1832174592, ClinGen allele CA375500684.